The following is an entry in ClinVar:

ClinVar aggregate classification (germline): Pathogenic (1 of 4 stars; one submission).

Conditions:
Nemaline myopathy 10 (NEM10). Identifiers: MedGen C4015360, MONDO:0014513, OMIM 616165.

Submission:

Labcorp Genetics (formerly Invitae), Labcorp
Classification: Pathogenic for Nemaline myopathy 10. Last evaluated: 2023-08-10. Review status: criteria provided, single submitter. Criteria: Invitae Variant Classification Sherloc (09022015). Collection method: clinical testing. Allele origin: germline.
Comment: For these reasons, this variant has been classified as Pathogenic. ClinVar contains an entry for this variant (Variation ID: 475328). This variant has not been reported in the literature in individuals affected with LMOD3-related conditions. This variant is present in population databases (no rsID available, gnomAD 0.004%). This sequence change creates a premature translational stop signal (p.Gly159Glufs*33) in the LMOD3 gene. It is expected to result in an absent or disrupted protein product. Loss-of-function variants in LMOD3 are known to be pathogenic (PMID: 25250574).

Literature cited by the submitters: PubMed 25250574.

NM_198271.5(LMOD3):c.476del (p.Gly159fs)

Gene: LMOD3 (leiomodin 3; minus strand). Cytogenetic location: 3p14.1.
Variant type: Deletion.
Coding change: c.476del on transcript NM_198271.5 (MANE Select); coding-DNA position 476, one base deleted (G; older notation c.476delG).
Protein change: p.Gly159fs; shifts the reading frame from glycine 159.
Molecular consequence: frameshift variant.
Genome position (GRCh38, 1-based): chr3:69,119,879, C deleted on the plus strand (G on the coding strand, the reverse complement: LMOD3 is on the minus strand); the first of 2 consecutive C bases (chr3:69,119,879-69,119,880); deleting either gives the same sequence. VCF-style (leftmost placement, unchanged base first): chr3-69119878-TC-T. GRCh37 (hg19) VCF-style: chr3-69169029-TC-T.
Other names: c.476delG (NM_198271.4); c.476del, p.Gly159fs (NM_001304418.3); short protein forms G159fs.
Identifiers: ClinVar variation 475328 (VCV000475328.5), dbSNP rs1426709672, ClinGen allele CA544004934.